The following is an entry in ClinVar:

NM_177438.3(DICER1):c.824A>G (p.Glu275Gly)

Gene: DICER1 (dicer 1, ribonuclease III; minus strand). Cytogenetic location: 14q32.13.
Variant type: single nucleotide variant.
Coding change: c.824A>G on transcript NM_177438.3 (MANE Select); coding-DNA position 824, A replaced by G.
Protein change: p.Glu275Gly; replaces glutamic acid 275 with glycine.
Molecular consequence: missense variant.
Genome position (GRCh38, 1-based): chr14:95,126,659, T>C on the plus strand (A>G on the coding strand, the complement: DICER1 is on the minus strand). VCF-style: chr14-95126659-T-C. GRCh37 (hg19) VCF-style: chr14-95592996-T-C.
Other names: c.824A>G, p.Glu275Gly (NM_001195573.1, NM_001271282.3, NM_001291628.2 and 1 more transcripts); short protein forms E275G.
Identifiers: ClinVar variation 1524322 (VCV001524322.6), dbSNP rs2140233305, ClinGen allele CA390887625.
Genomic context (GRCh38, chr14:95,126,659, plus strand): 5'-GAATCTCTTTCTTTTGAATGTACAGATATATTACAATCATTGATAAAATTAAGTGCTTCT[T>C]CTAATTCCATCAGCAGTCTTTCATAAAGCCCACTTCTGTCAGTAAATGGTCCACAATCCA-3'
Protein context (NP_803187.1, residues 265-285): GLYERLLMEL[Glu275Gly]EALNFINDCN

ClinVar aggregate classification (germline): Uncertain significance. Review status: criteria provided, multiple submitters, no conflicts (2 of 4 stars). 3 submissions from 3 submitters: Uncertain significance (3). Last evaluated 2024-12-19.

Conditions:
DICER1-related tumor predisposition. Also called: DICER1 syndrome; DICER1-related pleuropulmonary blastoma cancer predisposition syndrome. Identifiers: Orphanet 284343, MedGen C3839822, MONDO:0100216.
Hereditary cancer-predisposing syndrome. Also called: Tumor predisposition; Hereditary neoplastic syndrome; Neoplastic Syndromes, Hereditary; Hereditary Cancer Syndrome. Identifiers: Orphanet 140162, MedGen C0027672, MeSH D009386, MONDO:0015356.

Allele frequency attached by ClinVar (database versions not stated): gnomAD exomes 0.00001.
gnomAD v4.1: 3 of 1,587,714 alleles (0.00019%); highest among the groups gnomAD compares: Non-Finnish European, 0.00026%; no homozygotes.

Submissions (3):

Hereditary Cancer Group, L’Institut d'Investigació Biomèdica de Bellvitge
Classification: Uncertain significance for Hereditary cancer-predisposing syndrome. Last evaluated: 2024-12-19. Review status: criteria provided, single submitter. Criteria: Hatton et al. (Hum Mutat. 2023). Collection method: clinical testing. Allele origin: germline. Inheritance: Autosomal dominant inheritance. Affected: yes.
Comment: PM2_supporting, BP4

Labcorp Genetics (formerly Invitae), Labcorp
Classification: Uncertain significance for DICER1-related tumor predisposition. Last evaluated: 2023-09-01. Review status: criteria provided, single submitter. Criteria: Invitae Variant Classification Sherloc (09022015). Collection method: clinical testing. Allele origin: germline.
Comment: This variant has not been reported in the literature in individuals affected with DICER1-related conditions. This variant is not present in population databases (gnomAD no frequency). This sequence change replaces glutamic acid, which is acidic and polar, with glycine, which is neutral and non-polar, at codon 275 of the DICER1 protein (p.Glu275Gly). ClinVar contains an entry for this variant (Variation ID: 1524322). In summary, the available evidence is currently insufficient to determine the role of this variant in disease. Therefore, it has been classified as a Variant of Uncertain Significance. Advanced modeling of protein sequence and biophysical properties (such as structural, functional, and spatial information, amino acid conservation, physicochemical variation, residue mobility, and thermodynamic stability) performed at Invitae indicates that this missense variant is not expected to disrupt DICER1 protein function.

Sema4
Classification: Uncertain significance for Hereditary cancer-predisposing syndrome. Last evaluated: 2021-08-26. Review status: criteria provided, single submitter. Criteria: Sema4 Curation Guidelines. Collection method: curation. Allele origin: germline.
Comment: The DICER1 c.824A>G (p.E275G) variant has not been reported in the literature to our knowledge. It was not observed in the large and broad cohorts of the Genome Aggregation Database. The variant has not been reported in ClinVar. In silico tools suggest the impact of the variant on protein function is benign, though these predictions have not been confirmed by functional studies. The evidence is insufficient to meet ACMG/AMP criteria for classifying the variant as benign or pathogenic. Thus, the clinical significance of this variant is currently uncertain.